The following is an entry in ClinVar:

NM_000751.3(CHRND):c.1435C>A (p.Pro479Thr)

Gene: CHRND (cholinergic receptor nicotinic delta subunit; plus strand). Cytogenetic location: 2q37.1.
Variant type: single nucleotide variant.
Coding change: c.1435C>A on transcript NM_000751.3 (MANE Select); coding-DNA position 1435, C replaced by A.
Protein change: p.Pro479Thr; replaces proline 479 with threonine.
Molecular consequence: missense variant.
Genome position (GRCh38, 1-based): chr2:232,535,193, C>A. VCF-style: chr2-232535193-C-A. GRCh37 (hg19) VCF-style: chr2-233399903-C-A.
Other names: c.1390C>A, p.Pro464Thr (NM_001256657.2); c.853C>A, p.Pro285Thr (NM_001311195.2); c.1132C>A, p.Pro378Thr (NM_001311196.2); short protein forms P479T, P285T, P464T, P378T.
Identifiers: ClinVar variation 2972548 (VCV002972548.3), dbSNP rs757425535, ClinGen allele CA351006011.
Genomic context (GRCh38, chr2:232,535,193, plus strand): 5'-AAAGACAGCTGGAACCGAGTGGCCCGCACAGTGGACCGCCTCTGCCTGTTTGTGGTGACG[C>A]CTGTCATGGTGGTGGGCACAGCCTGGATCTTCCTGCAGGGCGTTTACAACCAGCCACCAC-3'
Protein context (NP_000742.1, residues 469-489): VDRLCLFVVT[Pro479Thr]VMVVGTAWIF

ClinVar aggregate classification (germline): Uncertain significance (1 of 4 stars; one submission).

Conditions:
Lethal multiple pterygium syndrome (LMPS). Identifiers: Orphanet 33108, MedGen C1854678, MONDO:0009668, OMIM 253290.

Submission:

Labcorp Genetics (formerly Invitae), Labcorp
Classification: Uncertain significance for Lethal multiple pterygium syndrome. Last evaluated: 2023-03-20. Review status: criteria provided, single submitter. Criteria: Invitae Variant Classification Sherloc (09022015). Collection method: clinical testing. Allele origin: germline.
Comment: This sequence change replaces proline, which is neutral and non-polar, with threonine, which is neutral and polar, at codon 479 of the CHRND protein (p.Pro479Thr). This variant is not present in population databases (gnomAD no frequency). This variant has not been reported in the literature in individuals affected with CHRND-related conditions. Advanced modeling of protein sequence and biophysical properties (such as structural, functional, and spatial information, amino acid conservation, physicochemical variation, residue mobility, and thermodynamic stability) performed at Invitae indicates that this missense variant is not expected to disrupt CHRND protein function. In summary, the available evidence is currently insufficient to determine the role of this variant in disease. Therefore, it has been classified as a Variant of Uncertain Significance.